The following is an entry in ClinVar:

ClinVar aggregate classification (germline): Uncertain significance (1 of 4 stars; one submission).

Conditions:
Dilated cardiomyopathy 1JJ (CMD1JJ). Identifiers: Orphanet 154, MedGen C3808935, MONDO:0014095, OMIM 615235.

Submission:

Labcorp Genetics (formerly Invitae), Labcorp
Classification: Uncertain significance for Dilated cardiomyopathy 1JJ. Last evaluated: 2019-05-31. Review status: criteria provided, single submitter. Criteria: Invitae Variant Classification Sherloc (09022015). Collection method: clinical testing. Allele origin: germline.
Comment: In summary, the available evidence is currently insufficient to determine the role of this variant in disease. Therefore, it has been classified as a Variant of Uncertain Significance. Algorithms developed to predict the effect of missense changes on protein structure and function are either unavailable or do not agree on the potential impact of this missense change (SIFT: "Deleterious"; PolyPhen-2: "Probably Damaging"; Align-GVGD: "Class C0"). This variant has not been reported in the literature in individuals with LAMA4-related conditions. This variant is not present in population databases (ExAC no frequency). This sequence change replaces aspartic acid with asparagine at codon 559 of the LAMA4 protein (p.Asp559Asn). The aspartic acid residue is highly conserved and there is a small physicochemical difference between aspartic acid and asparagine.

NM_001105206.3(LAMA4):c.1696G>A (p.Asp566Asn)

Gene: LAMA4 (laminin subunit alpha 4; minus strand). Cytogenetic location: 6q21.
Variant type: single nucleotide variant.
Coding change: c.1696G>A on transcript NM_001105206.3 (MANE Select); coding-DNA position 1696, G replaced by A.
Protein change: p.Asp566Asn; replaces aspartic acid 566 with asparagine.
Molecular consequence: missense variant.
Genome position (GRCh38, 1-based): chr6:112,158,853, C>T on the plus strand (G>A on the coding strand, the complement: LAMA4 is on the minus strand). VCF-style: chr6-112158853-C-T. GRCh37 (hg19) VCF-style: chr6-112480055-C-T.
Other names: c.1675G>A, p.Asp559Asn (NM_001105207.3, NM_002290.5); short protein forms D559N, D566N.
Identifiers: ClinVar variation 943095 (VCV000943095.9), dbSNP rs1780882314, ClinGen allele CA365365860.
Genomic context (GRCh38, chr6:112,158,853, plus strand): 5'-AATCATGGCTGAGGTTACTTAGGTTAGATAGTTTTACTTGTAGTTCACTTTTGGCTCCAT[C>T]TATTTCTGCATAAATCCCTGACGCATTCTAAAGAAAAAAATTTTAATAAATACATTGAAT-3'
Protein context (NP_001098676.2, residues 556-576): KNASGIYAEI[Asp566Asn]GAKSELQVKL